The following is an entry in ClinVar:

NM_003482.4(KMT2D):c.2782C>G (p.Gln928Glu)

Gene: KMT2D (lysine methyltransferase 2D; minus strand). Cytogenetic location: 12q13.12.
Variant type: single nucleotide variant.
Coding change: c.2782C>G on transcript NM_003482.4 (MANE Select); coding-DNA position 2782, C replaced by G.
Protein change: p.Gln928Glu; replaces glutamine 928 with glutamic acid.
Molecular consequence: missense variant.
Genome position (GRCh38, 1-based): chr12:49,050,901, G>C on the plus strand (C>G on the coding strand, the complement: KMT2D is on the minus strand). VCF-style: chr12-49050901-G-C. GRCh37 (hg19) VCF-style: chr12-49444684-G-C.
Other names: short protein forms Q928E.
Identifiers: ClinVar variation 4882763 (VCV004882763.2).

ClinVar aggregate classification (germline): Uncertain significance (1 of 4 stars; one submission).

Submission:

Dasa
Classification: Uncertain significance. Last evaluated: 2026-04-28. Review status: criteria provided, single submitter. Criteria: DASA Assertion Criteria. Collection method: clinical testing. Allele origin: germline.
Comment: NM_003482.4(KMT2D):c.2782C>G (p.Gln928Glu) is a missense variant that results in the substitution of glutamine with glutamic acid. This variant is rare in population databases. The currently available literature and clinical evidence are not sufficient to establish a definitive association between this variant and the reported condition. Therefore, this variant is classified as a variant of uncertain significance.